The following is an entry in ClinVar:

NM_000465.4(BARD1):c.907G>C (p.Val303Leu)

Gene: BARD1 (BRCA1 associated RING domain 1; minus strand). Cytogenetic location: 2q35.
Variant type: single nucleotide variant.
Coding change: c.907G>C on transcript NM_000465.4 (MANE Select); coding-DNA position 907, G replaced by C.
Protein change: p.Val303Leu; replaces valine 303 with leucine.
Molecular consequence: missense variant. On other transcripts: non-coding transcript variant (2), intron variant (3).
Genome position (GRCh38, 1-based): chr2:214,780,967, C>G on the plus strand (G>C on the coding strand, the complement: BARD1 is on the minus strand). VCF-style: chr2-214780967-C-G. GRCh37 (hg19) VCF-style: chr2-215645691-C-G.
Other names: c.850G>C, p.Val284Leu (NM_001282543.2); c.159-28412G>C (NM_001282548.2); c.215+16094G>C (NM_001282545.2); c.364+11330G>C (NM_001282549.2); short protein forms V303L, V284L.
Identifiers: ClinVar variation 220446 (VCV000220446.15), dbSNP rs375048835, ClinGen allele CA348824.

ClinVar aggregate classification (germline): Conflicting classifications of pathogenicity. Review status: criteria provided, conflicting classifications (1 of 4 stars). 4 submissions from 4 submitters: Uncertain significance (3); Likely benign (1). Last evaluated 2025-04-23.

Conditions:
Hereditary cancer-predisposing syndrome. Also called: Hereditary neoplastic syndrome; Tumor predisposition; Hereditary Cancer Syndrome; Neoplastic Syndromes, Hereditary. Identifiers: Orphanet 140162, MedGen C0027672, MeSH D009386, MONDO:0015356.
Familial cancer of breast. Also called: hereditary breast carcinoma; Hereditary breast cancer; BREAST CANCER, FAMILIAL. Identifiers: Orphanet 227535, MedGen C0346153, MONDO:0016419, OMIM 114480. Disease mechanism: loss of function.

Allele frequency attached by ClinVar (database versions not stated): gnomAD 0.00006.
gnomAD v4.1: 6 of 1,613,500 alleles (0.00037%); highest among the groups gnomAD compares: African/African-American, 0.0067%; no homozygotes.

Submissions (4):

Labcorp Genetics (formerly Invitae), Labcorp
Classification: Uncertain significance for Familial cancer of breast. Last evaluated: 2025-04-23. Review status: criteria provided, single submitter. Criteria: Invitae Variant Classification Sherloc (09022015). Collection method: clinical testing. Allele origin: germline.
Comment: This sequence change replaces valine, which is neutral and non-polar, with leucine, which is neutral and non-polar, at codon 303 of the BARD1 protein (p.Val303Leu). This variant is present in population databases (no rsID available, gnomAD 0.02%). This variant has not been reported in the literature in individuals affected with BARD1-related conditions. ClinVar contains an entry for this variant (Variation ID: 220446). An algorithm developed to predict the effect of missense changes on protein structure and function outputs the following: PolyPhen-2: "Benign". The leucine amino acid residue is found in multiple mammalian species, which suggests that this missense change does not adversely affect protein function. In summary, the available evidence is currently insufficient to determine the role of this variant in disease. Therefore, it has been classified as a Variant of Uncertain Significance.

Ambry Genetics
Classification: Likely benign for Hereditary cancer-predisposing syndrome. Last evaluated: 2024-06-18. Review status: criteria provided, single submitter. Criteria: Ambry Variant Classification Scheme 2023. Collection method: clinical testing. Allele origin: germline.

GeneDx
Classification: Uncertain significance. Last evaluated: 2024-01-19. Review status: criteria provided, single submitter. Criteria: GeneDx Variant Classification Process June 2021. Collection method: clinical testing. Allele origin: germline. Affected: yes.
Comment: In silico analysis supports that this missense variant does not alter protein structure/function; Has not been previously published as pathogenic or benign to our knowledge

Quest Diagnostics Nichols Institute San Juan Capistrano
Classification: Uncertain significance. Last evaluated: 2023-07-12. Review status: criteria provided, single submitter. Criteria: Quest Diagnostics criteria. Collection method: clinical testing. Allele origin: unknown.
Comment: This variant has not been reported in the published literature. The frequency of this variant in the general population, 0.000064 (2/31370 chromosomes (Genome Aggregation Database)), is uninformative in the assessment of its pathogenicity. Analysis of this variant using bioinformatics tools for the prediction of the effect of amino acid changes on protein structure and function yielded predictions that this variant is benign. Based on the available information, we are unable to determine the clinical significance of this variant.